The following is an entry in ClinVar:

NM_000202.8(IDS):c.31C>T (p.Leu11Phe)

Genes: IDS (iduronate 2-sulfatase; minus strand), LOC130068781 (ATAC-STARR-seq lymphoblastoid active region 30015; plus strand). Cytogenetic location: Xq28.
Variant type: single nucleotide variant.
Coding change: c.31C>T on transcript NM_000202.8 (MANE Select); coding-DNA position 31, C replaced by T.
Protein change: p.Leu11Phe; replaces leucine 11 with phenylalanine.
Molecular consequence: missense variant. On other transcripts: 5 prime UTR variant (1), non-coding transcript variant (1).
Genome position (GRCh38, 1-based): chrX:149,505,107, G>A on the plus strand (C>T on the coding strand, the complement: IDS is on the minus strand). VCF-style: chrX-149505107-G-A. GRCh37 (hg19) VCF-style: chrX-148586637-G-A.
Other names: c.31C>T (NM_000202.5); c.-196C>T (NM_001166550.4); c.31C>T, p.Leu11Phe (NM_006123.5); short protein forms L11F.
Identifiers: ClinVar variation 2981388 (VCV002981388.4), dbSNP rs1557340600, ClinGen allele CA414528622.

ClinVar aggregate classification (germline): Conflicting classifications of pathogenicity. Review status: criteria provided, conflicting classifications (1 of 4 stars). 2 submissions from 2 submitters: Uncertain significance (1); Likely benign (1). Last evaluated 2025-06-30.

Conditions:
Inborn genetic diseases. Identifiers: MedGen C0950123, MeSH D030342.
Mucopolysaccharidosis, MPS-II (MPS2). Also called: Mucopolysaccharidosis with skin involvement; Mucopolysaccharidosis type 2; Attenuated MPS (subtype; formerly known as mild MPS II); Severe MPS II; I2S deficiency; MPS 2. Identifiers: Orphanet 580, Orphanet 79388, MedGen C0026705, MONDO:0010674, OMIM 309900.

Allele frequency attached by ClinVar (database versions not stated): gnomAD exomes below 0.00001.

Submissions (2):

Ambry Genetics
Classification: Uncertain significance for Inborn genetic diseases. Last evaluated: 2025-06-30. Review status: criteria provided, single submitter. Criteria: Ambry Variant Classification Scheme 2023. Collection method: clinical testing. Allele origin: germline.
Comment: The p.L11F variant (also known as c.31C>T), located in coding exon 1 of the IDS gene, results from a C to T substitution at nucleotide position 31. The leucine at codon 11 is replaced by phenylalanine, an amino acid with highly similar properties. This amino acid position is conserved. In addition, this alteration is predicted to be tolerated by in silico analysis. Based on the available evidence, the clinical significance of this variant remains unclear.

Labcorp Genetics (formerly Invitae), Labcorp
Classification: Likely benign for Mucopolysaccharidosis, MPS-II. Last evaluated: 2023-11-17. Review status: criteria provided, single submitter. Criteria: Invitae Variant Classification Sherloc (09022015). Collection method: clinical testing. Allele origin: germline.